The following is an entry in ClinVar:

ClinVar aggregate classification (germline): Uncertain significance (1 of 4 stars; one submission).

Conditions:
Severe combined immunodeficiency due to IKK2 deficiency. Also called: Immunodeficiency 15; IMMUNODEFICIENCY 15B. Identifiers: Orphanet 397787, MedGen C4747743, MONDO:0014267, OMIM 615592.

gnomAD v4.1: 1 of 1,613,174 alleles (0.000062%); highest among the groups gnomAD compares: Non-Finnish European, 0.000085%; no homozygotes.

Submission:

Labcorp Genetics (formerly Invitae), Labcorp
Classification: Uncertain significance for Severe combined immunodeficiency due to IKK2 deficiency. Last evaluated: 2025-10-05. Review status: criteria provided, single submitter. Criteria: Invitae Variant Classification Sherloc (09022015). Collection method: clinical testing. Allele origin: germline.
Comment: This sequence change replaces tyrosine, which is neutral and polar, with histidine, which is basic and polar, at codon 571 of the IKBKB protein (p.Tyr571His). This variant is not present in population databases (gnomAD no frequency). This variant has not been reported in the literature in individuals affected with IKBKB-related conditions. Invitae Evidence Modeling of protein sequence and biophysical properties (such as structural, functional, and spatial information, amino acid conservation, physicochemical variation, residue mobility, and thermodynamic stability) indicates that this missense variant is not expected to disrupt IKBKB protein function with a negative predictive value of 95%. In summary, the available evidence is currently insufficient to determine the role of this variant in disease. Therefore, it has been classified as a Variant of Uncertain Significance.

NM_001556.3(IKBKB):c.1711T>C (p.Tyr571His)

Gene: IKBKB (inhibitor of nuclear factor kappa B kinase subunit beta; plus strand). Cytogenetic location: 8p11.21.
Variant type: single nucleotide variant.
Coding change: c.1711T>C on transcript NM_001556.3 (MANE Select); coding-DNA position 1711, T replaced by C.
Protein change: p.Tyr571His; replaces tyrosine 571 with histidine.
Molecular consequence: missense variant. On other transcripts: non-coding transcript variant (3).
Genome position (GRCh38, 1-based): chr8:42,321,918, T>C. VCF-style: chr8-42321918-T-C. GRCh37 (hg19) VCF-style: chr8-42179436-T-C.
Other names: c.1519T>C, p.Tyr507His (NM_001190720.3); c.1534T>C, p.Tyr512His (NM_001242778.2); short protein forms Y507H, Y571H, Y512H.
Identifiers: ClinVar variation 4773335 (VCV004773335.1).
Genomic context (GRCh38, chr8:42,321,918, plus strand): 5'-GACCTCAAGTCTAGACAGAACTTCTTTGTATATTTTAGAGAGGAGCAAGCAAGGGAGCTG[T>C]ACAGGAGACTAAGGGAAAAACCTCGAGGTAAGTGGGGTTCTGTGTCTGCCTTGGGCTTCT-3'
Protein context (NP_001547.1, residues 561-581): DDLEEQAREL[Tyr571His]RRLREKPRDQ